The following is an entry in ClinVar:

NM_021930.6(RINT1):c.433C>T (p.Leu145Phe)

Gene: RINT1 (RAD50 interactor 1; plus strand). Cytogenetic location: 7q22.3.
Variant type: single nucleotide variant.
Coding change: c.433C>T on transcript NM_021930.6 (MANE Select); coding-DNA position 433, C replaced by T.
Protein change: p.Leu145Phe; replaces leucine 145 with phenylalanine.
Molecular consequence: missense variant. On other transcripts: 5 prime UTR variant (3), non-coding transcript variant (1).
Genome position (GRCh38, 1-based): chr7:105,542,567, C>T. VCF-style: chr7-105542567-C-T. GRCh37 (hg19) VCF-style: chr7-105183014-C-T.
Other names: c.199C>T, p.Leu67Phe (NM_001346599.2); c.-587C>T (NM_001346600.2); c.-490C>T (NM_001346601.2); c.-110C>T (NM_001346603.2); short protein forms L67F, L145F.
Identifiers: ClinVar variation 5028298 (VCV005028298.1).

ClinVar aggregate classification (germline): Uncertain significance (1 of 4 stars; one submission).

Submission:

Ambry Genetics
Classification: Uncertain significance. Last evaluated: 2026-08-29. Review status: criteria provided, single submitter. Criteria: Ambry Variant Classification Scheme 2023. Collection method: clinical testing. Allele origin: germline.
Comment: The p.L145F variant (also known as c.433C>T), located in coding exon 4 of the RINT1 gene, results from a C to T substitution at nucleotide position 433. The leucine at codon 145 is replaced by phenylalanine, an amino acid with highly similar properties. This amino acid position is conserved. In addition, the in silico prediction for this alteration is inconclusive. Based on the available evidence, the clinical significance of this variant remains unclear.